The following is an entry in ClinVar:

NM_001754.5(RUNX1):c.385_395del (p.Leu129fs)

Genes: RUNX1-AS1 (RUNX1 antisense RNA 1; plus strand), RUNX1 (RUNX family transcription factor 1; minus strand). Cytogenetic location: 21q22.12.
Variant type: Deletion.
Coding change: c.385_395del on transcript NM_001754.5 (MANE Select); coding-DNA positions 385 to 395, 11 bases deleted (CTGGTCACTGT).
Protein change: p.Leu129fs; shifts the reading frame from leucine 129.
Molecular consequence: frameshift variant.
Genome position (GRCh38, 1-based): chr21:34,880,670-34,880,680, ACAGTGACCAG deleted on the plus strand (CTGGTCACTGT on the coding strand, the reverse complement: RUNX1 is on the minus strand); deleting any 11 consecutive bases within chr21:34,880,670-34,880,681 gives the same sequence; the c. name uses the placement nearest the transcript's 3' end. VCF-style (leftmost placement, unchanged base first): chr21-34880669-CACAGTGACCAG-C. GRCh37 (hg19) VCF-style: chr21-36252966-CACAGTGACCAG-C.
Other names: NM_001754.5(RUNX1):c.385_395del; p.Leu129fs; c.304_314del, p.Leu102fs (NM_001001890.3, NM_001122607.2); short protein forms L129fs, L102fs.
Identifiers: ClinVar variation 2092471 (VCV002092471.5), dbSNP rs2517440116, ClinGen allele CA2580098648.

ClinVar aggregate classification (germline): Likely pathogenic. Review status: reviewed by expert panel (3 of 4 stars). 2 submissions from 2 submitters: Likely pathogenic (1). 1 of the submissions does not count toward it. Last evaluated 2024-09-10.

Conditions:
Hereditary thrombocytopenia and hematological cancer predisposition syndrome associated with RUNX1. Also called: Familial Platelet Disorder with Propensity to Acute Myelogenous Leukemia; Familial thrombocytopenia with propensity to acute myelogenous leukemia; PLATELET DISORDER, ASPIRIN-LIKE; RUNX1 Familial Platelet Disorder with Associated Myeloid Malignancies. Identifiers: Orphanet 71290, MedGen C1832388, MeSH C563324, MONDO:0100083, OMIM 601399.
Hereditary thrombocytopenia and hematologic cancer predisposition syndrome. Identifiers: Orphanet 71290, MedGen CN281654, MONDO:0011071.

Submissions (2):

ClinGen Myeloid Malignancy Variant Curation Expert Panel
Classification: Likely pathogenic for Hereditary thrombocytopenia and hematologic cancer predisposition syndrome. Last evaluated: 2024-09-10. Review status: reviewed by expert panel. Criteria: ClinGen MyeloMalig ACMG Specifications v2. Collection method: curation. Allele origin: germline. Inheritance: Autosomal dominant inheritance.
Comment: NM_001754.5(RUNX1):c.385_395del (p.Leu129AspfsTer5) is a frameshift variant that occurs which terminates 5 amino acids downstream and is predicted to undergo NMD (As per modified RUNX1 PVS1 decision tree ) (PVS1_Strong). This variant is completely absent from all population databases with at least 20x coverage for RUNX1 (PM2_supporting). This variant is a frameshift variant that is downstream of c.98 (PM5_Supporting). In summary, this variant meets the criteria to be classified as likely pathogenic. ACMG/AMP criteria applied, as specified by the Myeloid Malignancy Variant Curation Expert Panel for RUNX1: PVS1_strong, PM2_supporting, PM5_supporting.

Labcorp Genetics (formerly Invitae), Labcorp
Classification: Pathogenic for Hereditary thrombocytopenia and hematological cancer predisposition syndrome associated with RUNX1. Last evaluated: 2022-02-03. Review status: criteria provided, single submitter. Criteria: Invitae Variant Classification Sherloc (09022015). Collection method: clinical testing. Allele origin: germline. Not counted in ClinVar's aggregate classification.
Comment: For these reasons, this variant has been classified as Pathogenic. This variant has not been reported in the literature in individuals affected with RUNX1-related conditions. This variant is not present in population databases (gnomAD no frequency). This sequence change creates a premature translational stop signal (p.Leu129Aspfs*5) in the RUNX1 gene. It is expected to result in an absent or disrupted protein product. Loss-of-function variants in RUNX1 are known to be pathogenic (PMID: 18723428, 24100448).

Literature cited by the submitters: PubMed 18723428 (cited by Labcorp Genetics (formerly Invitae), Labcorp); PubMed 24100448 (cited by Labcorp Genetics (formerly Invitae), Labcorp).